The following is an entry in ClinVar:

NM_017950.4(CCDC40):c.3181-129C>T

Gene: CCDC40 (coiled-coil domain 40 molecular ruler complex subunit; plus strand). Cytogenetic location: 17q25.3.
Variant type: single nucleotide variant.
Coding change: c.3181-129C>T on transcript NM_017950.4 (MANE Select); 129 bases into the intron before coding-DNA position 3181, C replaced by T.
Molecular consequence: intron variant.
Genome position (GRCh38, 1-based): chr17:80,099,398, C>T. VCF-style: chr17-80099398-C-T. GRCh37 (hg19) VCF-style: chr17-78073197-C-T.
Identifiers: ClinVar variation 1706938 (VCV001706938.2), dbSNP rs145428594, ClinGen allele CA14485088.

ClinVar aggregate classification (germline): Likely benign (1 of 4 stars; one submission).

Allele frequency attached by ClinVar (database versions not stated): gnomAD 0.00340; 1000 Genomes Project 0.00399; TOPMed 0.00420; 1000 Genomes Project 30x 0.00422.
gnomAD v4.1: 974 of 1,092,624 alleles (0.089%); highest among the groups gnomAD compares: African/African-American, 1.2%; 5 homozygotes.

Submission:

GeneDx
Classification: Likely benign. Last evaluated: 2021-05-27. Review status: criteria provided, single submitter. Criteria: GeneDx Variant Classification Process June 2021. Collection method: clinical testing. Allele origin: germline. Affected: yes.
Comment: See Variant Classification Assertion Criteria.